The following is an entry in ClinVar:

NM_006118.4(HAX1):c.556+5G>A

Gene: HAX1 (HCLS1 associated protein X-1; plus strand). Cytogenetic location: 1q21.3.
Variant type: single nucleotide variant.
Coding change: c.556+5G>A on transcript NM_006118.4 (MANE Select); 5 bases into the intron after coding-DNA position 556, G replaced by A.
Molecular consequence: intron variant.
Genome position (GRCh38, 1-based): chr1:154,275,006, G>A. VCF-style: chr1-154275006-G-A. GRCh37 (hg19) VCF-style: chr1-154247482-G-A.
Other names: c.412+5G>A (NM_001018837.2).
Identifiers: ClinVar variation 2156445 (VCV002156445.4), dbSNP rs1684901378, ClinGen allele CA2480799463.

ClinVar aggregate classification (germline): Uncertain significance (1 of 4 stars; one submission).

Conditions:
Kostmann syndrome (SCN3). Also called: KOSTMANN DISEASE; Autosomal recessive severe congenital neutropenia type 3. Identifiers: Orphanet 99749, MedGen C5235141, MONDO:0012548, OMIM 610738.

Allele frequency attached by ClinVar (database versions not stated): TOPMed below 0.00001.

Submission:

Labcorp Genetics (formerly Invitae), Labcorp
Classification: Uncertain significance for Kostmann syndrome. Last evaluated: 2025-05-19. Review status: criteria provided, single submitter. Criteria: Invitae Variant Classification Sherloc (09022015). Collection method: clinical testing. Allele origin: germline.
Comment: This sequence change falls in intron 4 of the HAX1 gene. It does not directly change the encoded amino acid sequence of the HAX1 protein. It affects a nucleotide within the consensus splice site. This variant is not present in population databases (gnomAD no frequency). This variant has not been reported in the literature in individuals affected with HAX1-related conditions. ClinVar contains an entry for this variant (Variation ID: 2156445). Variants that disrupt the consensus splice site are a relatively common cause of aberrant splicing (PMID: 17576681, 9536098). Algorithms developed to predict the effect of sequence changes on RNA splicing suggest that this variant may disrupt the consensus splice site. In summary, the available evidence is currently insufficient to determine the role of this variant in disease. Therefore, it has been classified as a Variant of Uncertain Significance.

Literature cited by the submitters: PubMed 17576681; PubMed 9536098.